The following is an entry in ClinVar:

NM_004415.4(DSP):c.7563_7566del (p.Asp2521fs)

Gene: DSP (desmoplakin; plus strand). Cytogenetic location: 6p24.3.
Variant type: Microsatellite.
Coding change: c.7563_7566del on transcript NM_004415.4 (MANE Select); coding-DNA positions 7563 to 7566, 4 bases deleted (TAGA; older notation c.7563_7566delTAGA).
Protein change: p.Asp2521fs; shifts the reading frame from aspartic acid 2521.
Molecular consequence: frameshift variant.
Genome position (GRCh38, 1-based): chr6:7,584,825-7,584,828, TAGA deleted; deleting any 4 consecutive bases within chr6:7,584,821-7,584,828 gives the same sequence; the c. name uses the placement nearest the transcript's 3' end. VCF-style (leftmost placement, unchanged base first): chr6-7584820-GTAGA-G. GRCh37 (hg19) VCF-style: chr6-7585053-GTAGA-G.
Other names: c.5766_5769del, p.Asp1922fs (NM_001008844.3); c.6234_6237del, p.Asp2078fs (NM_001319034.2); short protein forms D2521fs, D1922fs, D2078fs.
Identifiers: ClinVar variation 839272 (VCV000839272.13), dbSNP rs1320456072, ClinGen allele CA565358157.

ClinVar aggregate classification (germline): Pathogenic/Likely pathogenic. Review status: criteria provided, multiple submitters, no conflicts (2 of 4 stars). 3 submissions from 3 submitters: Pathogenic (1); Likely pathogenic (2). Last evaluated 2025-08-22.

Conditions:
Arrhythmogenic right ventricular dysplasia 8 (ARVD8). Also called: Arrhythmogenic Right Ventricular Dysplasia/Cardiomyopathy 8; ARRHYTHMOGENIC RIGHT VENTRICULAR DYSPLASIA, FAMILIAL, 8; ARRHYTHMOGENIC RIGHT VENTRICULAR CARDIOMYOPATHY 8. Identifiers: MedGen C1843896, MONDO:0011831, OMIM 607450.
Arrhythmogenic cardiomyopathy with wooly hair and keratoderma. Also called: Arrhythmogenic cardiomyopathy with woolly hair and keratoderma; PALMOPLANTAR KERATODERMA WITH LEFT VENTRICULAR CARDIOMYOPATHY AND WOOLLY HAIR; Carvajal syndrome; Dilated cardiomyopathy with woolly hair and keratoderma. Identifiers: Orphanet 65282, MedGen C1854063, MONDO:0011581, OMIM 605676.

Submissions (3):

GeneDx
Classification: Likely pathogenic. Last evaluated: 2025-08-22. Review status: criteria provided, single submitter. Criteria: GeneDx Variant Classification Process June 2021. Collection method: clinical testing. Allele origin: germline. Affected: yes.
Comment: Frameshift variant predicted to result in protein truncation or nonsense mediated decay in a gene for which loss of function is a known mechanism of disease; Not observed at significant frequency in large population cohorts (gnomAD); Has not been previously published as pathogenic or benign to our knowledge

Labcorp Genetics (formerly Invitae), Labcorp
Classification: Pathogenic for Arrhythmogenic cardiomyopathy with wooly hair and keratoderma; Arrhythmogenic right ventricular dysplasia 8. Last evaluated: 2024-10-07. Review status: criteria provided, single submitter. Criteria: Invitae Variant Classification Sherloc (09022015). Collection method: clinical testing. Allele origin: germline.
Comment: This sequence change creates a premature translational stop signal (p.Asp2521Glufs*39) in the DSP gene. While this is not anticipated to result in nonsense mediated decay, it is expected to disrupt the last 351 amino acid(s) of the DSP protein. This variant is present in population databases (no rsID available, gnomAD 0.003%). This variant has not been reported in the literature in individuals affected with DSP-related conditions. ClinVar contains an entry for this variant (Variation ID: 839272). This variant disrupts a region of the DSP protein in which other variant(s) (p.Glu2728Glyfs*11) have been determined to be pathogenic (internal data). This suggests that this is a clinically significant region of the protein, and that variants that disrupt it are likely to be disease-causing. For these reasons, this variant has been classified as Pathogenic.

ARUP Laboratories, Molecular Genetics and Genomics, ARUP Laboratories
Classification: Likely pathogenic. Last evaluated: 2022-03-11. Review status: criteria provided, single submitter. Criteria: ARUP Molecular Germline Variant Investigation Process 2021. Collection method: clinical testing. Allele origin: germline.
Comment: The DSP c.7563_7566del; p.Asp2521GlufsTer39 variant (rs1320456072), to our knowledge, is not reported in the medical literature but is reported in ClinVar (Variation ID: 839272). This variant is only observed on one allele in the Genome Aggregation Database (1/251488 alleles), indicating it is not a common polymorphism. This variant causes a frameshift by deleting four nucleotides, resulting in a premature termination codon in the last exon of the DSP gene. While this may not lead to nonsense-mediated decay, it is expected to create a truncated DSP protein. Multiple truncating variants downstream of the c.7563_7566del variant have been reported in patients with cardiomyopathy and are considered pathogenic (Castelletti 2017, Smith 2020). Based on available information, the c.7563_7566del; p.Asp2521GlufsTer39 variant is considered to be likely pathogenic. References: Castelletti et al. Desmoplakin missense and non-missense mutations in arrhythmogenic right ventricular cardiomyopathy: Genotype-phenotype correlation. Int J Cardiol. 2017 Dec 15;249:268-273. PMID: 28527814. Smith et al. Desmoplakin Cardiomyopathy, a Fibrotic and Inflammatory Form of Cardiomyopathy Distinct From Typical Dilated or Arrhythmogenic Right Ventricular Cardiomyopathy. Circulation. 2020 Jun 9;141(23):1872-1884. PMID: 32372669.